The following is an entry in ClinVar:

NM_002529.4(NTRK1):c.2239G>A (p.Glu747Lys)

Gene: NTRK1 (neurotrophic receptor tyrosine kinase 1; plus strand). Cytogenetic location: 1q23.1.
Variant type: single nucleotide variant.
Coding change: c.2239G>A on transcript NM_002529.4 (MANE Select); coding-DNA position 2239, G replaced by A.
Protein change: p.Glu747Lys; replaces glutamic acid 747 with lysine.
Molecular consequence: missense variant.
Genome position (GRCh38, 1-based): chr1:156,881,490, G>A. VCF-style: chr1-156881490-G-A. GRCh37 (hg19) VCF-style: chr1-156851282-G-A.
Other names: c.2131G>A, p.Glu711Lys (NM_001007792.1); c.2221G>A, p.Glu741Lys (NM_001012331.2); short protein forms E711K, E741K, E747K.
Identifiers: ClinVar variation 999645 (VCV000999645.8), dbSNP rs1648255941, ClinGen allele CA342941435.

ClinVar aggregate classification (germline): Uncertain significance (1 of 4 stars; one submission).

Conditions:
Hereditary insensitivity to pain with anhidrosis (CIPA). Also called: HSAN Type IV; hereditary sensory and autonomic neuropathy type 4; FAMILIAL DYSAUTONOMIA, TYPE II; INSENSITIVITY TO PAIN, CONGENITAL, WITH ANHIDROSIS; NEUROPATHY, CONGENITAL SENSORY, WITH ANHIDROSIS; NTRK1 Congenital Insensitivity to Pain with Anhidrosis. Identifiers: Orphanet 642, MedGen C0020074, MONDO:0009746, OMIM 256800.

Submission:

Labcorp Genetics (formerly Invitae), Labcorp
Classification: Uncertain significance for Hereditary insensitivity to pain with anhidrosis. Last evaluated: 2020-03-18. Review status: criteria provided, single submitter. Criteria: Invitae Variant Classification Sherloc (09022015). Collection method: clinical testing. Allele origin: germline.
Comment: In summary, the available evidence is currently insufficient to determine the role of this variant in disease. Therefore, it has been classified as a Variant of Uncertain Significance. Algorithms developed to predict the effect of missense changes on protein structure and function (SIFT, PolyPhen-2, Align-GVGD) all suggest that this variant is likely to be disruptive, but these predictions have not been confirmed by published functional studies and their clinical significance is uncertain. This variant has not been reported in the literature in individuals with NTRK1-related conditions. This variant is not present in population databases (ExAC no frequency). This sequence change replaces glutamic acid with lysine at codon 741 of the NTRK1 protein (p.Glu741Lys). The glutamic acid residue is highly conserved and there is a small physicochemical difference between glutamic acid and lysine.